The following is an entry in ClinVar:

NM_001042492.3(NF1):c.5896G>A (p.Ala1966Thr)

Gene: NF1 (neurofibromin 1; plus strand). Cytogenetic location: 17q11.2.
Variant type: single nucleotide variant.
Coding change: c.5896G>A on transcript NM_001042492.3 (MANE Select); coding-DNA position 5896, G replaced by A.
Protein change: p.Ala1966Thr; replaces alanine 1966 with threonine.
Molecular consequence: missense variant.
Genome position (GRCh38, 1-based): chr17:31,334,921, G>A. VCF-style: chr17-31334921-G-A. GRCh37 (hg19) VCF-style: chr17-29661939-G-A.
Other names: c.5833G>A, p.Ala1945Thr (NM_000267.4); short protein forms A1945T, A1966T.
Identifiers: ClinVar variation 3676640 (VCV003676640.2).
Genomic context (GRCh38, chr17:31,334,921, plus strand): 5'-TTGGAATACATGACTCCATGGCTGTCAAATCTAGTTCGTTTTTGCAAGCATAATGATGAT[G>A]CCAAACGACAAAGAGTTACTGCTATTCTTGACAAGCTGATAACAATGACCATCAATGAAA-3'
Protein context (NP_001035957.1, residues 1956-1976): LVRFCKHNDD[Ala1966Thr]KRQRVTAILD

ClinVar aggregate classification (germline): Uncertain significance (1 of 4 stars; one submission).

Conditions:
Neurofibromatosis, type 1 (NF1). Also called: VON RECKLINGHAUSEN DISEASE; NEUROFIBROMATOSIS, TYPE I, SOMATIC; Neurofibromatosis, type I; Peripheral type neurofibromatosis. Identifiers: Orphanet 636, MedGen C0027831, MONDO:0018975, OMIM 162200. Disease mechanism: loss of function.

gnomAD v4.1: 2 of 1,613,608 alleles (0.00012%); highest among the groups gnomAD compares: African/African-American, 0.0027%; no homozygotes.

Submission:

Labcorp Genetics (formerly Invitae), Labcorp
Classification: Uncertain significance for Neurofibromatosis, type 1. Last evaluated: 2024-07-22. Review status: criteria provided, single submitter. Criteria: Invitae Variant Classification Sherloc (09022015). Collection method: clinical testing. Allele origin: germline.
Comment: This sequence change replaces alanine, which is neutral and non-polar, with threonine, which is neutral and polar, at codon 1945 of the NF1 protein (p.Ala1945Thr). The frequency data for this variant in the population databases is considered unreliable, as metrics indicate poor data quality at this position in the gnomAD database. This variant has not been reported in the literature in individuals affected with NF1-related conditions. Advanced modeling of protein sequence and biophysical properties (such as structural, functional, and spatial information, amino acid conservation, physicochemical variation, residue mobility, and thermodynamic stability) has been performed at Invitae for this missense variant, however the output from this modeling did not meet the statistical confidence thresholds required to predict the impact of this variant on NF1 protein function. In summary, the available evidence is currently insufficient to determine the role of this variant in disease. Therefore, it has been classified as a Variant of Uncertain Significance.